The following is an entry in ClinVar:

NM_006516.4(SLC2A1):c.857G>A (p.Gly286Asp)

Gene: SLC2A1 (solute carrier family 2 member 1; minus strand). Cytogenetic location: 1p34.2.
Variant type: single nucleotide variant.
Coding change: c.857G>A on transcript NM_006516.4 (MANE Select); coding-DNA position 857, G replaced by A.
Protein change: p.Gly286Asp; replaces glycine 286 with aspartic acid.
Molecular consequence: missense variant.
Genome position (GRCh38, 1-based): chr1:42,929,603, C>T on the plus strand (G>A on the coding strand, the complement: SLC2A1 is on the minus strand). VCF-style: chr1-42929603-C-T. GRCh37 (hg19) VCF-style: chr1-43395274-C-T.
Other names: short protein forms G286D.
Identifiers: ClinVar variation 218333 (VCV000218333.30), dbSNP rs864309514, ClinGen allele CA213395.

ClinVar aggregate classification (germline): Pathogenic. Review status: criteria provided, single submitter (1 of 4 stars). 2 submissions from 2 submitters: Pathogenic (1). 1 of the submissions does not count toward it. Last evaluated 2023-03-01.

Conditions:
Hereditary cryohydrocytosis with reduced stomatin. Also called: Stomatin-deficient cryohydrocytosis with neurologic defects; GLUT1 DEFICIENCY SYNDROME WITH PSEUDOHYPERKALEMIA AND HEMOLYSIS. Identifiers: Orphanet 168577, MedGen C1837206, MONDO:0012143, OMIM 608885.

Submissions (2):

CeGaT Center for Human Genetics Tuebingen
Classification: Pathogenic. Last evaluated: 2023-03-01. Review status: criteria provided, single submitter. Criteria: CeGaT Center For Human Genetics Tuebingen Variant Classification Criteria Version 2. Collection method: clinical testing. Allele origin: germline. Affected: yes. Observed: 1 variant allele.
Comment: SLC2A1: PM1, PM2, PP4:Moderate, PS3:Moderate, PP3, PS4:Supporting

OMIM
Classification: Pathogenic for STOMATIN-DEFICIENT CRYOHYDROCYTOSIS WITH NEUROLOGIC DEFECTS. Last evaluated: 2011-11-10. Review status: no assertion criteria provided. Collection method: literature only. Allele origin: germline. Not counted in ClinVar's aggregate classification.

Literature cited by the submitters: PubMed 15180870 (cited by OMIM); PubMed 21791420 (cited by OMIM).